The following is an entry in ClinVar:

ClinVar aggregate classification (germline): Benign/Likely benign. Review status: criteria provided, multiple submitters, no conflicts (2 of 4 stars). 5 submissions from 5 submitters: Benign (2); Likely benign (3). Last evaluated 2025-06-09.

Conditions:
Hereditary cancer-predisposing syndrome. Also called: Hereditary Cancer Syndrome; Tumor predisposition; Neoplastic Syndromes, Hereditary; Hereditary neoplastic syndrome. Identifiers: Orphanet 140162, MedGen C0027672, MeSH D009386, MONDO:0015356.
Tuberous sclerosis 2 (TSC2). Identifiers: Orphanet 805, MedGen C1860707, MONDO:0013199, OMIM 613254.

Submissions (5):

Myriad Genetics, Inc.
Classification: Benign for Tuberous sclerosis 2. Last evaluated: 2025-06-09. Review status: criteria provided, single submitter. Criteria: Myriad Autosomal Dominant, Autosomal Recessive and X-Linked Classification Criteria (2023). Collection method: clinical testing. Allele origin: unknown.
Comment: This variant is considered benign. This variant is a silent/synonymous amino acid change and it is not expected to impact splicing.

Labcorp Genetics (formerly Invitae), Labcorp
Classification: Likely benign for Tuberous sclerosis 2. Last evaluated: 2023-11-24. Review status: criteria provided, single submitter. Criteria: Invitae Variant Classification Sherloc (09022015). Collection method: clinical testing. Allele origin: germline.

Genome-Nilou Lab
Classification: Benign for Tuberous sclerosis 2. Last evaluated: 2021-11-07. Review status: criteria provided, single submitter. Criteria: ACMG Guidelines, 2015. Collection method: clinical testing. Allele origin: germline. Affected: no.

Ambry Genetics
Classification: Likely benign for Hereditary cancer-predisposing syndrome. Last evaluated: 2019-04-09. Review status: criteria provided, single submitter. Criteria: Ambry Variant Classification Scheme 2023. Collection method: clinical testing. Allele origin: germline.

GeneDx
Classification: Likely benign. Last evaluated: 2017-09-07. Review status: criteria provided, single submitter. Criteria: GeneDx Variant Classification (06012015). Collection method: clinical testing. Allele origin: germline. Affected: yes.
Comment: This variant is considered likely benign or benign based on one or more of the following criteria: it is a conservative change, it occurs at a poorly conserved position in the protein, it is predicted to be benign by multiple in silico algorithms, and/or has population frequency not consistent with disease.

NM_000548.5(TSC2):c.5322C>T (p.Ser1774=)

Gene: TSC2 (TSC complex subunit 2; plus strand). Cytogenetic location: 16p13.3.
Variant type: single nucleotide variant.
Coding change: c.5322C>T on transcript NM_000548.5 (MANE Select); coding-DNA position 5322, C replaced by T.
Protein change: p.Ser1774=; no amino-acid change (serine 1774 retained).
Molecular consequence: synonymous variant.
Genome position (GRCh38, 1-based): chr16:2,088,508, C>T. VCF-style: chr16-2088508-C-T. GRCh37 (hg19) VCF-style: chr16-2138509-C-T.
Other names: c.5121C>T, p.Ser1707= (NM_001077183.3); c.5253C>T, p.Ser1751= (NM_001114382.3); c.5013C>T, p.Ser1671= (NM_001318827.2); c.4977C>T, p.Ser1659= (NM_001318829.2); c.4590C>T, p.Ser1530= (NM_001318831.2); c.5154C>T, p.Ser1718= (NM_001318832.2); c.5124C>T, p.Ser1708= (NM_001363528.2); c.5190C>T, p.Ser1730= (NM_001370404.1); and 2 more.
Identifiers: ClinVar variation 511981 (VCV000511981.17), dbSNP rs751622894, ClinGen allele CA493043707.